The following is an entry in ClinVar:

ClinVar aggregate classification (germline): Pathogenic. Review status: reviewed by expert panel (3 of 4 stars). 2 submissions from 2 submitters: Pathogenic (1). 1 of the submissions does not count toward it. Last evaluated 2016-10-18.

Conditions:
Breast-ovarian cancer, familial, susceptibility to, 2 (BROVCA2). Also called: BRCA2 Hereditary Breast and Ovarian Cancer. Identifiers: Orphanet 145, MedGen C2675520, MONDO:0012933, OMIM 612555. Disease mechanism: loss of function.

Submissions (2):

Evidence-based Network for the Interpretation of Germline Mutant Alleles (ENIGMA)
Classification: Pathogenic for Breast-ovarian cancer, familial, susceptibility to, 2. Last evaluated: 2016-10-18. Review status: reviewed by expert panel. Criteria: ENIGMA BRCA1/2 Classification Criteria (2015). Collection method: curation. Allele origin: germline.
Comment: Variant allele predicted to encode a truncated non-functional protein.

Consortium of Investigators of Modifiers of BRCA1/2 (CIMBA), c/o University of Cambridge
Classification: Pathogenic for Breast-ovarian cancer, familial, susceptibility to, 2. Last evaluated: 2015-10-02. Review status: criteria provided, single submitter. Criteria: CIMBA Mutation Classification guidelines May 2016. Collection method: clinical testing. Allele origin: germline. Not counted in ClinVar's aggregate classification.

NM_000059.4(BRCA2):c.5219dup (p.Leu1740fs)

Gene: BRCA2 (BRCA2 DNA repair associated; plus strand). Cytogenetic location: 13q13.1.
Variant type: Duplication.
Coding change: c.5219dup on transcript NM_000059.4 (MANE Select); coding-DNA position 5219, one base duplicated (T; older notation c.5219dupT).
Protein change: p.Leu1740fs; shifts the reading frame from leucine 1740.
Molecular consequence: frameshift variant.
Genome position (GRCh38, 1-based): chr13:32,339,574, T duplicated; the last of 3 consecutive T bases (chr13:32,339,572-32,339,574); duplicating any one gives the same sequence. VCF-style (leftmost placement, unchanged base first): chr13-32339571-A-AT. GRCh37 (hg19) VCF-style: chr13-32913708-A-AT.
Other names: 5446insT; short protein forms L1740fs.
Identifiers: ClinVar variation 266866 (VCV000266866.7), dbSNP rs886040582, ClinGen allele CA10589303.